The following is an entry in ClinVar:

ClinVar aggregate classification (germline): Pathogenic (1 of 4 stars; one submission).

Submission:

Labcorp Genetics (formerly Invitae), Labcorp
Classification: Pathogenic. Last evaluated: 2023-02-22. Review status: criteria provided, single submitter. Criteria: Invitae Variant Classification Sherloc (09022015). Collection method: clinical testing. Allele origin: germline.
Comment: For these reasons, this variant has been classified as Pathogenic. This variant has not been reported in the literature in individuals affected with RTTN-related conditions. This variant is present in population databases (rs775796646, gnomAD 0.003%). This sequence change creates a premature translational stop signal (p.Leu903*) in the RTTN gene. It is expected to result in an absent or disrupted protein product. Loss-of-function variants in RTTN are known to be pathogenic (PMID: 26608784, 26846091).

Literature cited by the submitters: PubMed 26608784; PubMed 26846091.

NM_173630.4(RTTN):c.2708del (p.Leu902_Leu903insTer)

Gene: RTTN (rotatin; minus strand). Cytogenetic location: 18q22.2.
Variant type: Deletion.
Coding change: c.2708del on transcript NM_173630.4 (MANE Select); coding-DNA position 2708, one base deleted (T; older notation c.2708delT).
Protein change: p.Leu902_Leu903insTer.
Molecular consequence: nonsense. On other transcripts: 5 prime UTR variant (1).
Genome position (GRCh38, 1-based): chr18:70,139,679, A deleted on the plus strand (T on the coding strand, the reverse complement: RTTN is on the minus strand); the first of 2 consecutive A bases (chr18:70,139,679-70,139,680); deleting either gives the same sequence. VCF-style (leftmost placement, unchanged base first): chr18-70139678-CA-C. GRCh37 (hg19) VCF-style: chr18-67806914-CA-C.
Other names: c.-29del (NM_001318520.2).
Identifiers: ClinVar variation 2187465 (VCV002187465.4), dbSNP rs775796646, ClinGen allele CA8995789.